The following is an entry in ClinVar:

NM_004006.3(DMD):c.325G>C (p.Gly109Arg)

Gene: DMD (dystrophin; minus strand). Cytogenetic location: Xp21.1.
Variant type: single nucleotide variant.
Coding change: c.325G>C on transcript NM_004006.3 (MANE Select); coding-DNA position 325, G replaced by C.
Protein change: p.Gly109Arg; replaces glycine 109 with arginine.
Molecular consequence: missense variant. On other transcripts: 5 prime UTR variant (1).
Genome position (GRCh38, 1-based): chrX:32,823,327, C>G on the plus strand (G>C on the coding strand, the complement: DMD is on the minus strand). VCF-style: chrX-32823327-C-G. GRCh37 (hg19) VCF-style: chrX-32841444-C-G.
Other names: c.301G>C, p.Gly101Arg (NM_000109.4); c.313G>C, p.Gly105Arg (NM_004009.3); c.-45G>C (NM_004010.3); short protein forms G109R, G101R, G105R.
Identifiers: ClinVar variation 409939 (VCV000409939.10), dbSNP rs1060502658, ClinGen allele CA16616535.

ClinVar aggregate classification (germline): Uncertain significance. Review status: criteria provided, single submitter (1 of 4 stars). 2 submissions from 2 submitters: Uncertain significance (1). 1 of the submissions does not count toward it. Last evaluated 2016-09-14.

Conditions:
Dystrophin deficiency.
Duchenne muscular dystrophy (DMD). Also called: MUSCULAR DYSTROPHY, PSEUDOHYPERTROPHIC PROGRESSIVE, DUCHENNE TYPE; Duchenne Muscular Dystrophy (DMD). Identifiers: Orphanet 98896, MedGen C0013264, MONDO:0010679, OMIM 310200.

Submissions (2):

Labcorp Genetics (formerly Invitae), Labcorp
Classification: Uncertain significance for Duchenne muscular dystrophy. Last evaluated: 2016-09-14. Review status: criteria provided, single submitter. Criteria: Invitae Variant Classification Sherloc (09022015). Collection method: clinical testing. Allele origin: germline.
Comment: This variant is not present in population databases (ExAC no frequency) and has not been reported in the literature in individuals with a DMD-related disease. This sequence change replaces glycine with arginine at codon 109 of the DMD protein (p.Gly109Arg). The glycine residue is highly conserved and there is a moderate physicochemical difference between glycine and arginine. Algorithms developed to predict the effect of missense changes on protein structure and function (SIFT, PolyPhen-2, Align-GVGD) all suggest that this variant is likely to be disruptive, but these predictions have not been confirmed by published functional studies. In summary, this variant is a novel missense change with uncertain impact on protein function. Therefore, it has been classified as a Variant of Uncertain Significance.

Natera, Inc.
Classification: Uncertain significance for Dystrophin deficiency. Last evaluated: 2020-09-16. Review status: no assertion criteria provided. Collection method: clinical testing. Allele origin: germline. Not counted in ClinVar's aggregate classification.